The following is an entry in ClinVar:

ClinVar aggregate classification (germline): Likely pathogenic. Review status: criteria provided, single submitter (1 of 4 stars). 2 submissions from 2 submitters: Likely pathogenic (1). 1 of the submissions does not count toward it. Last evaluated 2025-03-24.

Conditions:
Developmental and epileptic encephalopathy, 44 (DEE44). Also called: Epileptic encephalopathy, early infantile, 44. Identifiers: MedGen C4310700, MONDO:0014933, OMIM 617132.

Allele frequency attached by ClinVar (database versions not stated): gnomAD exomes below 0.00001.
gnomAD v4.1: 1 of 1,614,002 alleles (0.000062%); highest among the groups gnomAD compares: Admixed American, 0.0017%; no homozygotes.

Submissions (2):

GeneDx
Classification: Likely pathogenic. Last evaluated: 2025-03-24. Review status: criteria provided, single submitter. Criteria: GeneDx Variant Classification Process June 2021. Collection method: clinical testing. Allele origin: germline. Affected: yes.
Comment: Published functional studies demonstrate a damaging effect with p.(V260M) resulting in significantly reduced catalytic activities (PMID: 27545681, 38079206); In silico analysis indicates that this missense variant does not alter protein structure/function; In silico analysis supports a deleterious effect on splicing; Not observed at significant frequency in large population cohorts (gnomAD); This variant is associated with the following publications: (PMID: 30078785, 29902590, 27926783, 27545681, 38079206, 36680403, 39757643, 37945409, 29868776)

OMIM
Classification: Pathogenic for DEVELOPMENTAL AND EPILEPTIC ENCEPHALOPATHY 44. Last evaluated: 2020-11-10. Review status: no assertion criteria provided. Collection method: literature only. Allele origin: germline. Not counted in ClinVar's aggregate classification.

Literature cited by the submitters: PubMed 27545681 (cited by OMIM).

NM_024818.6(UBA5):c.778G>A (p.Val260Met)

Genes: NPHP3-ACAD11 (NPHP3-ACAD11 readthrough (NMD candidate); minus strand), UBA5 (ubiquitin like modifier activating enzyme 5; plus strand). Cytogenetic location: 3q22.1.
Variant type: single nucleotide variant.
Coding change: c.778G>A on transcript NM_024818.6 (MANE Select); coding-DNA position 778, G replaced by A.
Protein change: p.Val260Met; replaces valine 260 with methionine.
Molecular consequence: missense variant.
Genome position (GRCh38, 1-based): chr3:132,672,143, G>A. VCF-style: chr3-132672143-G-A. GRCh37 (hg19) VCF-style: chr3-132390987-G-A.
Other names: c.610G>A, p.Val204Met (NM_001320210.2, NM_198329.4); c.508G>A, p.Val170Met (NM_001321238.2); c.442G>A, p.Val148Met (NM_001321239.1); c.778G>A (NM_024818.3); short protein forms V260M, V170M, V148M, V204M.
Identifiers: ClinVar variation 265752 (VCV000265752.4), dbSNP rs886039759, ClinGen allele CA10588809.